The following is an entry in ClinVar:

ClinVar aggregate classification (germline): Uncertain significance. Review status: criteria provided, multiple submitters, no conflicts (2 of 4 stars). 2 submissions from 2 submitters: Uncertain significance (2). Last evaluated 2024-11-10.

Allele frequency attached by ClinVar (database versions not stated): TOPMed 0.00002; gnomAD exomes 0.00005.
gnomAD v4.1: 18 of 1,543,566 alleles (0.0012%); highest among the groups gnomAD compares: Admixed American, 0.016%; no homozygotes.

Submissions (2):

Ambry Genetics
Classification: Uncertain significance. Last evaluated: 2024-11-10. Review status: criteria provided, single submitter. Criteria: Ambry Variant Classification Scheme 2023. Collection method: clinical testing. Allele origin: germline.

Labcorp Genetics (formerly Invitae), Labcorp
Classification: Uncertain significance. Last evaluated: 2024-04-17. Review status: criteria provided, single submitter. Criteria: Invitae Variant Classification Sherloc (09022015). Collection method: clinical testing. Allele origin: germline.
Comment: This sequence change replaces glycine, which is neutral and non-polar, with serine, which is neutral and polar, at codon 436 of the SAMD11 protein (p.Gly436Ser). This variant is present in population databases (no rsID available, gnomAD 0.03%). This variant has not been reported in the literature in individuals affected with SAMD11-related conditions. ClinVar contains an entry for this variant (Variation ID: 840797). Algorithms developed to predict the effect of missense changes on protein structure and function output the following: SIFT: "Not Available"; PolyPhen-2: "Benign"; Align-GVGD: "Not Available". The serine amino acid residue is found in multiple mammalian species, which suggests that this missense change does not adversely affect protein function. In summary, the available evidence is currently insufficient to determine the role of this variant in disease. Therefore, it has been classified as a Variant of Uncertain Significance.

NM_001385641.1(SAMD11):c.1795G>A (p.Gly599Ser)

Gene: SAMD11 (sterile alpha motif domain containing 11; plus strand). Cytogenetic location: 1p36.33.
Variant type: single nucleotide variant.
Coding change: c.1795G>A on transcript NM_001385641.1 (MANE Select); coding-DNA position 1795, G replaced by A.
Protein change: p.Gly599Ser; replaces glycine 599 with serine.
Molecular consequence: missense variant.
Genome position (GRCh38, 1-based): chr1:942,800, G>A. VCF-style: chr1-942800-G-A. GRCh37 (hg19) VCF-style: chr1-878180-G-A.
Other names: c.1798G>A, p.Gly600Ser (NM_001385640.1); c.1306G>A, p.Gly436Ser (NM_152486.4); short protein forms G436S, G599S, G600S.
Identifiers: ClinVar variation 840797 (VCV000840797.7), dbSNP rs910296298, ClinGen allele CA16725121.